The following is an entry in ClinVar:

NM_001114753.3(ENG):c.1003C>T (p.Gln335Ter)

Gene: ENG (endoglin; minus strand). Cytogenetic location: 9q34.11.
Variant type: single nucleotide variant.
Coding change: c.1003C>T on transcript NM_001114753.3 (MANE Select); coding-DNA position 1003, C replaced by T.
Protein change: p.Gln335Ter; replaces glutamine 335 with a stop codon.
Molecular consequence: nonsense.
Genome position (GRCh38, 1-based): chr9:127,824,435, G>A on the plus strand (C>T on the coding strand, the complement: ENG is on the minus strand). VCF-style: chr9-127824435-G-A. GRCh37 (hg19) VCF-style: chr9-130586714-G-A.
Other names: c.1003C>T, p.Gln335Ter (NM_000118.4, NM_001406715.1); c.457C>T, p.Gln153Ter (NM_001278138.2); short protein forms Q153*, Q335*.
Identifiers: ClinVar variation 1775208 (VCV001775208.7), dbSNP rs2539071297, ClinGen allele CA374981757.

ClinVar aggregate classification (germline): Pathogenic. Review status: criteria provided, multiple submitters, no conflicts (2 of 4 stars). 2 submissions from 2 submitters: Pathogenic (2). Last evaluated 2023-09-22.

Conditions:
Cardiovascular phenotype. Identifiers: MedGen CN230736.
Hereditary hemorrhagic telangiectasia (HHT). Also called: ORW DISEASE; Osler Weber Rendu syndrome; OSLER-RENDU-WEBER DISEASE; Osler hemorrhagic telangiectasia syndrome. Identifiers: Orphanet 774, MedGen C0039445, MONDO:0019180. Disease mechanism: loss of function.

Submissions (2):

Labcorp Genetics (formerly Invitae), Labcorp
Classification: Pathogenic for Hereditary hemorrhagic telangiectasia. Last evaluated: 2023-09-22. Review status: criteria provided, single submitter. Criteria: Invitae Variant Classification Sherloc (09022015). Collection method: clinical testing. Allele origin: germline.
Comment: This sequence change creates a premature translational stop signal (p.Gln335*) in the ENG gene. It is expected to result in an absent or disrupted protein product. Loss-of-function variants in ENG are known to be pathogenic (PMID: 15879500). For these reasons, this variant has been classified as Pathogenic. ClinVar contains an entry for this variant (Variation ID: 1775208). This variant has not been reported in the literature in individuals affected with ENG-related conditions. This variant is not present in population databases (gnomAD no frequency).

Ambry Genetics
Classification: Pathogenic for Cardiovascular phenotype. Last evaluated: 2020-10-07. Review status: criteria provided, single submitter. Criteria: Ambry Variant Classification Scheme 2023. Collection method: clinical testing. Allele origin: germline.
Comment: The p.Q335* pathogenic mutation (also known as c.1003C>T), located in coding exon 8 of the ENG gene, results from a C to T substitution at nucleotide position 1003. This changes the amino acid from a glutamine to a stop codon within coding exon 8. This alteration is expected to result in loss of function by premature protein truncation or nonsense-mediated mRNA decay. As such, this alteration is interpreted as a disease-causing mutation.

Literature cited by the submitters: PubMed 15879500 (cited by Labcorp Genetics (formerly Invitae), Labcorp).